The following is an entry in ClinVar:

NM_015375.3(DSTYK):c.1791C>T (p.His597=)

Gene: DSTYK (dual serine/threonine and tyrosine protein kinase; minus strand). Cytogenetic location: 1q32.1.
Variant type: single nucleotide variant.
Coding change: c.1791C>T on transcript NM_015375.3 (MANE Select); coding-DNA position 1791, C replaced by T.
Protein change: p.His597=; no amino-acid change (histidine 597 retained).
Molecular consequence: synonymous variant.
Genome position (GRCh38, 1-based): chr1:205,162,063, G>A on the plus strand (C>T on the coding strand, the complement: DSTYK is on the minus strand). VCF-style: chr1-205162063-G-A. GRCh37 (hg19) VCF-style: chr1-205131191-G-A.
Other names: c.1791C>T (NM_015375.2); c.1791C>T, p.His597= (NM_199462.3).
Identifiers: ClinVar variation 2887854 (VCV002887854.5), dbSNP rs764647986, ClinGen allele CA1352761.
Genomic context (GRCh38, chr1:205,162,063, plus strand): 5'-GATCCAGCTGTATCTCCTTTCCTACATACCAACCTGCCGCAAGGAGGCTGCAAAAGCCTC[G>A]TGGGAACTATTGAGCCGAGTCCGGAATTGGCTGCAAATGCTCTTAGCCAATTTGGAGGCG-3'
Protein context (NP_056190.1, residues 587-607): SQFRTRLNSS[His597=]EAFAASLRQL

ClinVar aggregate classification (germline): Likely benign. Review status: criteria provided, single submitter (1 of 4 stars). 2 submissions from 2 submitters: Likely benign (1). 1 of the submissions does not count toward it. Last evaluated 2023-08-30.

Conditions:
DSTYK-related disorder. Also called: DSTYK-related condition.

Allele frequency attached by ClinVar (database versions not stated): gnomAD 0.00005; TOPMed 0.00009; ExAC 0.00026.
gnomAD v4.1: 177 of 1,613,852 alleles (0.011%); highest among the groups gnomAD compares: Non-Finnish European, 0.013%; no homozygotes.

Submissions (2):

Labcorp Genetics (formerly Invitae), Labcorp
Classification: Likely benign. Last evaluated: 2023-08-30. Review status: criteria provided, single submitter. Criteria: Invitae Variant Classification Sherloc (09022015). Collection method: clinical testing. Allele origin: germline.

PreventionGenetics, part of Exact Sciences
Classification: Likely benign for DSTYK-related condition. Last evaluated: 2019-03-13. Review status: no assertion criteria provided. Collection method: clinical testing. Allele origin: germline. Not counted in ClinVar's aggregate classification.
Comment: This variant is classified as likely benign based on ACMG/AMP sequence variant interpretation guidelines (Richards et al. 2015 PMID: 25741868, with internal and published modifications).